The following is an entry in ClinVar:

ClinVar aggregate classification (germline): Likely benign (1 of 4 stars; one submission).

gnomAD v4.1: 49 of 1,205,794 alleles (0.0041%); highest among the groups gnomAD compares: East Asian, 0.12%; no homozygotes.

Submission:

CeGaT Center for Human Genetics Tuebingen
Classification: Likely benign. Last evaluated: 2025-01-01. Review status: criteria provided, single submitter. Criteria: CeGaT Center For Human Genetics Tuebingen Variant Classification Criteria Version 2. Collection method: clinical testing. Allele origin: germline. Affected: yes. Observed: 1 variant allele.
Comment: PPP1R3F: BS2

NM_033215.5(PPP1R3F):c.758C>T (p.Ala253Val)

Gene: PPP1R3F (protein phosphatase 1 regulatory subunit 3F; plus strand). Cytogenetic location: Xp11.23.
Variant type: single nucleotide variant.
Coding change: c.758C>T on transcript NM_033215.5 (MANE Select); coding-DNA position 758, C replaced by T.
Protein change: p.Ala253Val; replaces alanine 253 with valine.
Molecular consequence: missense variant. On other transcripts: intron variant (1).
Genome position (GRCh38, 1-based): chrX:49,270,627, C>T. VCF-style: chrX-49270627-C-T. GRCh37 (hg19) VCF-style: chrX-49127090-C-T.
Other names: c.-32+694C>T (NM_001184745.2); short protein forms A253V.
Identifiers: ClinVar variation 3771891 (VCV003771891.13).